The following is an entry in ClinVar:

ClinVar aggregate classification (germline): Uncertain significance (1 of 4 stars; one submission).

Conditions:
PLXNA1-related disorder. Also called: PLXNA1-related condition.

gnomAD v4.1: 2 of 1,578,464 alleles (0.00013%); highest among the groups gnomAD compares: Middle Eastern, 0.017%; no homozygotes.

Submission:

PreventionGenetics, part of Exact Sciences
Classification: Uncertain significance for PLXNA1-related condition. Last evaluated: 2026-09-09. Review status: criteria provided, single submitter. Criteria: ACMG Guidelines, 2015. Collection method: clinical testing. Allele origin: germline.
Comment: The PLXNA1 c.86G>C variant is predicted to result in the amino acid substitution p.Gly29Ala. To our knowledge, this variant has not been reported in the literature or in a large population database (gnomAD), indicating this variant is rare. At this time, the clinical significance of this variant is uncertain due to the absence of conclusive functional and genetic evidence.

NM_032242.4(PLXNA1):c.86G>C (p.Gly29Ala)

Gene: PLXNA1 (plexin A1; plus strand). Cytogenetic location: 3q21.3.
Variant type: single nucleotide variant.
Coding change: c.86G>C on transcript NM_032242.4 (MANE Select); coding-DNA position 86, G replaced by C.
Protein change: p.Gly29Ala; replaces glycine 29 with alanine.
Molecular consequence: missense variant.
Genome position (GRCh38, 1-based): chr3:126,988,679, G>C. VCF-style: chr3-126988679-G-C. GRCh37 (hg19) VCF-style: chr3-126707522-G-C.
Other names: short protein forms G29A.
Identifiers: ClinVar variation 2636881 (VCV002636881.2), dbSNP rs779320185, ClinGen allele CA354369935.
Genomic context (GRCh38, chr3:126,988,679, plus strand): 5'-AGGTGCTCCTGCTGCTGCTGCTGTTGCTGCTGCTGCTGCCGGGCATGTGGGCTGAGGCAG[G>C]CTTGCCCAGGGCAGGCGGGGGTTCACAGCCCCCCTTCCGCACCTTCTCGGCCAGCGACTG-3'
Protein context (NP_115618.3, residues 19-39): LLLPGMWAEA[Gly29Ala]LPRAGGGSQP